The following is an entry in ClinVar:

NM_020686.6(ABAT):c.68C>A (p.Pro23His)

Gene: ABAT (4-aminobutyrate aminotransferase; plus strand). Cytogenetic location: 16p13.2.
Variant type: single nucleotide variant.
Coding change: c.68C>A on transcript NM_020686.6 (MANE Select); coding-DNA position 68, C replaced by A.
Protein change: p.Pro23His; replaces proline 23 with histidine.
Molecular consequence: missense variant. On other transcripts: intron variant (3).
Genome position (GRCh38, 1-based): chr16:8,735,807, C>A. VCF-style: chr16-8735807-C-A. GRCh37 (hg19) VCF-style: chr16-8829664-C-A.
Other names: c.68C>A, p.Pro23His (NM_000663.5, NM_001127448.2, NM_001386600.1 and 13 more transcripts); c.-65-10194C>A (NM_001386611.1, NM_001386612.1, NM_001386613.1); short protein forms P23H.
Identifiers: ClinVar variation 1010607 (VCV001010607.10), dbSNP rs369376388, ClinGen allele CA394691264.

ClinVar aggregate classification (germline): Uncertain significance (1 of 4 stars; one submission).

Conditions:
Gamma-aminobutyric acid transaminase deficiency (GABATD). Also called: GABA transaminase deficiency; Gamma aminobutyrate transaminase deficiency; 4 alpha aminobutyrate transaminase deficiency; GABA aminotransaminase deficiency. Identifiers: Orphanet 2066, MedGen C0342708, MONDO:0013166, OMIM 613163.

Submission:

Labcorp Genetics (formerly Invitae), Labcorp
Classification: Uncertain significance for Gamma-aminobutyric acid transaminase deficiency. Last evaluated: 2020-02-18. Review status: criteria provided, single submitter. Criteria: Invitae Variant Classification Sherloc (09022015). Collection method: clinical testing. Allele origin: germline.
Comment: This variant is not present in population databases (ExAC no frequency). This variant has not been reported in the literature in individuals with ABAT-related conditions. Algorithms developed to predict the effect of missense changes on protein structure and function are either unavailable or do not agree on the potential impact of this missense change (SIFT: "Deleterious"; PolyPhen-2: "Benign"; Align-GVGD: "Class C0"). In summary, the available evidence is currently insufficient to determine the role of this variant in disease. Therefore, it has been classified as a Variant of Uncertain Significance. This sequence change replaces proline with histidine at codon 23 of the ABAT protein (p.Pro23His). The proline residue is moderately conserved and there is a moderate physicochemical difference between proline and histidine.